The following is an entry in ClinVar:

ClinVar aggregate classification (germline): Uncertain significance (1 of 4 stars; one submission).

Allele frequency attached by ClinVar (database versions not stated): gnomAD exomes below 0.00001.
gnomAD v4.1: 1 of 1,613,316 alleles (0.000062%); highest among the groups gnomAD compares: South Asian, 0.0011%; no homozygotes.

Submission:

Labcorp Genetics (formerly Invitae), Labcorp
Classification: Uncertain significance. Last evaluated: 2023-01-09. Review status: criteria provided, single submitter. Criteria: Invitae Variant Classification Sherloc (09022015). Collection method: clinical testing. Allele origin: germline.
Comment: In summary, the available evidence is currently insufficient to determine the role of this variant in disease. Therefore, it has been classified as a Variant of Uncertain Significance. Advanced modeling of protein sequence and biophysical properties (such as structural, functional, and spatial information, amino acid conservation, physicochemical variation, residue mobility, and thermodynamic stability) performed at Invitae indicates that this missense variant is not expected to disrupt CELSR2 protein function. This variant has not been reported in the literature in individuals affected with CELSR2-related conditions. The frequency data for this variant in the population databases is considered unreliable, as metrics indicate poor data quality at this position in the gnomAD database. This sequence change replaces histidine, which is basic and polar, with arginine, which is basic and polar, at codon 2261 of the CELSR2 protein (p.His2261Arg).

NM_001408.3(CELSR2):c.6782A>G (p.His2261Arg)

Gene: CELSR2 (cadherin EGF LAG seven-pass G-type receptor 2; plus strand). Cytogenetic location: 1p13.3.
Variant type: single nucleotide variant.
Coding change: c.6782A>G on transcript NM_001408.3 (MANE Select); coding-DNA position 6782, A replaced by G.
Protein change: p.His2261Arg; replaces histidine 2261 with arginine.
Molecular consequence: missense variant.
Genome position (GRCh38, 1-based): chr1:109,269,260, A>G. VCF-style: chr1-109269260-A-G. GRCh37 (hg19) VCF-style: chr1-109811882-A-G.
Other names: short protein forms H2261R.
Identifiers: ClinVar variation 2782026 (VCV002782026.3), dbSNP rs1029339588, ClinGen allele CA28638443.
Genomic context (GRCh38, chr1:109,269,260, plus strand): 5'-GCCAGGGTGAGGCTGTGGCCAGCGTCATCATCTACCGCACCCTGGCCGGGCTACTGCCTC[A>G]TAACTATGACCCTGACAAGCGCAGCTTGAGGTCAGCAGCTAGGGGACAGGTGTGGGTAGG-3'
Protein context (NP_001399.1, residues 2251-2271): IYRTLAGLLP[His2261Arg]NYDPDKRSLR